The following is an entry in ClinVar:

ClinVar aggregate classification (germline): Likely pathogenic (1 of 4 stars; one submission).

Conditions:
Ellis-van Creveld syndrome (EVC). Also called: MESOECTODERMAL DYSPLASIA; EVC-Related Ellis-van Creveld Syndrome; EVC2-Related Ellis-van Creveld Syndrome; Chondroectodermal dysplasia. Identifiers: Orphanet 289, MedGen C0013903, MONDO:0009162, OMIM 225500.

Submission:

Neuberg Centre For Genomic Medicine, NCGM
Classification: Likely pathogenic for Ellis-van Creveld syndrome. Last evaluated: 2023-05-20. Review status: criteria provided, single submitter. Criteria: ACMG Guidelines, 2015. Collection method: clinical testing. Allele origin: germline. Inheritance: Autosomal recessive inheritance. Affected: yes.
Comment: The frameshift variant c.2239_2243del (p.Ala747ArgfsTer65) in the EVC2 gene has not been reported previously as a pathogenic variant nor as a benign variant, to our knowledge. The variant is absent in the gnomAD Exomes. This variant causes a frameshift starting with codon Alanine 747, changes this amino acid to Arginine residue, and creates a premature Stop codon at position 65 of the new reading frame. This variant is predicted to cause a loss of normal protein function through protein truncation. Loss of function variants has been previously reported to be disease causing (Vona et al., 2017). For these reasons, this variant has been classified as Likely Pathogenic.

NM_147127.5(EVC2):c.2239_2243del (p.Ala747fs)

Gene: EVC2 (EvC ciliary complex subunit 2; minus strand). Cytogenetic location: 4p16.2.
Variant type: Deletion.
Coding change: c.2239_2243del on transcript NM_147127.5 (MANE Select); coding-DNA positions 2239 to 2243, 5 bases deleted (GCCAC; older notation c.2239_2243delGCCAC).
Protein change: p.Ala747fs; shifts the reading frame from alanine 747.
Molecular consequence: frameshift variant.
Genome position (GRCh38, 1-based): chr4:5,622,795-5,622,799, GTGGC deleted on the plus strand (GCCAC on the coding strand, the reverse complement: EVC2 is on the minus strand). VCF-style (leftmost placement, unchanged base first): chr4-5622794-GGTGGC-G. GRCh37 (hg19) VCF-style: chr4-5624521-GGTGGC-G.
Other names: c.1999_2003del, p.Ala667fs (NM_001166136.2); short protein forms A667fs, A747fs.
Identifiers: ClinVar variation 3367040 (VCV003367040.1).
Genomic context (GRCh38, chr4:5,622,794, plus strand): 5'-CACCCCACGCTTGAGCAGCTCCTGGGTCATGGCTGAGTTCTGCAGGCGCCGCAGCTCGTC[GGTGGC>G]CTTTTCAAACAGCGAAAGGGTCAGGGTCCTGAGATCGTCCAGGGCGGCCTGGTCCAGACG-3'